The following is an entry in ClinVar:

ClinVar aggregate classification (germline): Conflicting classifications of pathogenicity. Review status: criteria provided, conflicting classifications (1 of 4 stars). 2 submissions from 2 submitters: Uncertain significance (1); Likely benign (1). Last evaluated 2025-02-16.

Submissions (2):

Laboratory of Genetics, Children's Clinical University Hospital Latvia
Classification: Likely benign. Last evaluated: 2025-02-16. Review status: criteria provided, single submitter. Criteria: ACMG Guidelines, 2015. Collection method: clinical testing. Allele origin: germline. Affected: yes.

Labcorp Genetics (formerly Invitae), Labcorp
Classification: Uncertain significance. Last evaluated: 2024-08-28. Review status: criteria provided, single submitter. Criteria: Invitae Variant Classification Sherloc (09022015). Collection method: clinical testing. Allele origin: germline.
Comment: This sequence change replaces tyrosine, which is neutral and polar, with histidine, which is basic and polar, at codon 214 of the FAM111A protein (p.Tyr214His). This variant is present in population databases (rs752786340, gnomAD 0.003%). This variant has not been reported in the literature in individuals affected with FAM111A-related conditions. Invitae Evidence Modeling of protein sequence and biophysical properties (such as structural, functional, and spatial information, amino acid conservation, physicochemical variation, residue mobility, and thermodynamic stability) indicates that this missense variant is not expected to disrupt FAM111A protein function with a negative predictive value of 80%. In summary, the available evidence is currently insufficient to determine the role of this variant in disease. Therefore, it has been classified as a Variant of Uncertain Significance.

NM_001312909.2(FAM111A):c.640T>C (p.Tyr214His)

Gene: FAM111A (FAM111 trypsin like peptidase A; plus strand). Cytogenetic location: 11q12.1.
Variant type: single nucleotide variant.
Coding change: c.640T>C on transcript NM_001312909.2 (MANE Select); coding-DNA position 640, T replaced by C.
Protein change: p.Tyr214His; replaces tyrosine 214 with histidine.
Molecular consequence: missense variant.
Genome position (GRCh38, 1-based): chr11:59,152,308, T>C. VCF-style: chr11-59152308-T-C. GRCh37 (hg19) VCF-style: chr11-58919781-T-C.
Other names: c.640T>C, p.Tyr214His (NM_001142519.3, NM_001142520.3, NM_001142521.3 and 29 more transcripts); short protein forms Y214H.
Identifiers: ClinVar variation 3622128 (VCV003622128.3).